The following is an entry in ClinVar:

NM_001127208.3(TET2):c.3770C>T (p.Thr1257Met)

Genes: TET2 (tet methylcytosine dioxygenase 2; plus strand), TET2-AS1 (TET2 antisense RNA 1; minus strand). Cytogenetic location: 4q24.
Variant type: single nucleotide variant.
Coding change: c.3770C>T on transcript NM_001127208.3 (MANE Select); coding-DNA position 3770, C replaced by T.
Protein change: p.Thr1257Met; replaces threonine 1257 with methionine.
Molecular consequence: missense variant.
Genome position (GRCh38, 1-based): chr4:105,243,745, C>T. VCF-style: chr4-105243745-C-T. GRCh37 (hg19) VCF-style: chr4-106164902-C-T.
Other names: short protein forms T1257M.
Identifiers: ClinVar variation 2992846 (VCV002992846.2), dbSNP rs937035385, ClinGen allele CA102760792.

ClinVar aggregate classification (germline): Uncertain significance (1 of 4 stars; one submission).

Allele frequency attached by ClinVar (database versions not stated): gnomAD 0.00001.
gnomAD v4.1: 29 of 1,551,398 alleles (0.0019%); highest among the groups gnomAD compares: Admixed American, 0.0059%; no homozygotes.

Submission:

Labcorp Genetics (formerly Invitae), Labcorp
Classification: Uncertain significance. Last evaluated: 2024-02-14. Review status: criteria provided, single submitter. Criteria: Invitae Variant Classification Sherloc (09022015). Collection method: clinical testing. Allele origin: germline.
Comment: This sequence change replaces threonine, which is neutral and polar, with methionine, which is neutral and non-polar, at codon 1257 of the TET2 protein (p.Thr1257Met). This variant is present in population databases (no rsID available, gnomAD 0.01%). This variant has not been reported in the literature in individuals affected with TET2-related conditions. Algorithms developed to predict the effect of missense changes on protein structure and function output the following: SIFT: "Not Available"; PolyPhen-2: "Benign"; Align-GVGD: "Not Available". The methionine amino acid residue is found in multiple mammalian species, which suggests that this missense change does not adversely affect protein function. In summary, the available evidence is currently insufficient to determine the role of this variant in disease. Therefore, it has been classified as a Variant of Uncertain Significance.